The following is an entry in ClinVar:

NM_001384474.1(LOXHD1):c.4548C>T (p.Ile1516=)

Gene: LOXHD1 (lipoxygenase homology PLAT domains 1; minus strand). Cytogenetic location: 18q21.1.
Variant type: single nucleotide variant.
Coding change: c.4548C>T on transcript NM_001384474.1 (MANE Select); coding-DNA position 4548, C replaced by T.
Protein change: p.Ile1516=; no amino-acid change (isoleucine 1516 retained).
Molecular consequence: synonymous variant.
Genome position (GRCh38, 1-based): chr18:46,524,900, G>A on the plus strand (C>T on the coding strand, the complement: LOXHD1 is on the minus strand). VCF-style: chr18-46524900-G-A. GRCh37 (hg19) VCF-style: chr18-44104863-G-A.
Other names: c.1215C>T, p.Ile405= (NM_001145472.3); c.927C>T, p.Ile309= (NM_001308013.2); c.4548C>T, p.Ile1516= (NM_144612.7).
Identifiers: ClinVar variation 1079254 (VCV001079254.10), dbSNP rs1265256564, ClinGen allele CA503809498.
Genomic context (GRCh38, chr18:46,524,900, plus strand): 5'-CCACTTGGAGTTGTCATGGCGGAGCTTGATCTTGTAGATGACGCCTAGGTCAGCGGCCTC[G>A]ATGATGAAGGTGTCAGCCTGGGGAGCCCAGATGTGGGGACTCATATGGGGGTGTGCCACC-3'
Protein context (NP_001371403.1, residues 1506-1526): FERGTADTFI[Ile1516=]EAADLGVIYK

ClinVar aggregate classification (germline): Likely benign. Review status: criteria provided, multiple submitters, no conflicts (2 of 4 stars). 2 submissions from 2 submitters: Likely benign (2). Last evaluated 2025-04-17.

Allele frequency attached by ClinVar (database versions not stated): gnomAD exomes 0.00001; gnomAD 0.00002; TOPMed 0.00002.

Submissions (2):

Labcorp Genetics (formerly Invitae), Labcorp
Classification: Likely benign. Last evaluated: 2025-04-17. Review status: criteria provided, single submitter. Criteria: Invitae Variant Classification Sherloc (09022015). Collection method: clinical testing. Allele origin: germline.

Laboratory for Molecular Medicine, Mass General Brigham Personalized Medicine
Classification: Likely benign. Last evaluated: 2022-11-21. Review status: criteria provided, single submitter. Criteria: ACMG Guidelines, 2015. Collection method: clinical testing. Allele origin: germline.
Comment: The p.Ile1516Ile variant in LOXHD1 is classified as likely benign because it does not alter an amino acid residue, is not located within the splice consensus site, and computational splice prediction tools do not predict an impact on splicing. It has been identified in 0.019% (3/15280) of Latino chromosomes by gnomAD. ACMG/AMP Criteria applied: BP4, BP7.